The following is an entry in ClinVar:

ClinVar aggregate classification (germline): Pathogenic. Review status: criteria provided, single submitter (1 of 4 stars). 2 submissions from 2 submitters: Pathogenic (1). 1 of the submissions does not count toward it. Last evaluated 2026-09-17.

Conditions:
Age related macular degeneration 4. Identifiers: MedGen C1853147, MONDO:0012540, OMIM 610698.
Basal laminar drusen. Also called: DRUSEN, EARLY ADULT-ONSET, GROUPED; DRUSEN OF BRUCH MEMBRANE; DRUSEN, CUTICULAR. Identifiers: Orphanet 75376, MedGen C0730295, MONDO:0007472, OMIM 126700.

Submissions (2):

Genomenon, Inc
Classification: Pathogenic for Age related macular degeneration 4; Basal laminar drusen. Last evaluated: 2026-09-17. Review status: criteria provided, single submitter. Criteria: Genomenon Sequence Variant Interpretation Standards - Updated. Collection method: curation. Allele origin: germline. Affected: yes.
Comment: CFH p.Gln408Ter (c.1222C>T) is a nonsense variant that introduces a premature stop codon at amino acid position 408 and is predicted to result in a truncated or absent protein product. This variant has been observed in at least one proband affected with a CFH-related disorder (PMID: 36246952; 18252232; 29888403; 34508573). The variant was found to segregate with disease in at least one affected family (PMID: 36246952; 18252232). Functional studies have been reported (PMID: 34508573). It is absent or not present at a significant frequency in gnomAD. In conclusion, we classify CFH p.Gln408Ter (c.1222C>T) as a pathogenic variant.

OMIM
Classification: Pathogenic for BASAL LAMINAR DRUSEN. Last evaluated: 2008-02-01. Review status: no assertion criteria provided. Collection method: literature only. Allele origin: germline. Not counted in ClinVar's aggregate classification.

Literature cited by the submitters: PubMed 36246952 (cited by Genomenon, Inc); PubMed 18252232 (cited by Genomenon, Inc and OMIM); PubMed 29888403 (cited by Genomenon, Inc); PubMed 34508573 (cited by Genomenon, Inc).

NM_000186.4(CFH):c.1222C>T (p.Gln408Ter)

Gene: CFH (complement factor H; plus strand). Cytogenetic location: 1q31.3.
Variant type: single nucleotide variant.
Coding change: c.1222C>T on transcript NM_000186.4 (MANE Select); coding-DNA position 1222, C replaced by T.
Protein change: p.Gln408Ter; replaces glutamine 408 with a stop codon.
Molecular consequence: nonsense.
Genome position (GRCh38, 1-based): chr1:196,690,125, C>T. VCF-style: chr1-196690125-C-T. GRCh37 (hg19) VCF-style: chr1-196659255-C-T.
Other names: c.1222C>T, p.Gln408Ter (NM_001014975.3); short protein forms Q408*.
Identifiers: ClinVar variation 16560 (VCV000016560.3), dbSNP rs121913061, ClinGen allele CA126667.
Genomic context (GRCh38, chr1:196,690,125, plus strand): 5'-AAATGTTATTTTCCTTATTTGGAAAATGGATATAATCAAAATCATGGAAGAAAGTTTGTA[C>T]AGGGTAAATCTATAGACGTTGCCTGCCATCCTGGCTACGCTCTTCCAAAAGCGCAGACCA-3'